The following is an entry in ClinVar:

ClinVar aggregate classification (germline): Uncertain significance (1 of 4 stars; one submission).

Conditions:
Hereditary cancer-predisposing syndrome. Also called: Hereditary neoplastic syndrome; Tumor predisposition; Hereditary Cancer Syndrome; Neoplastic Syndromes, Hereditary. Identifiers: Orphanet 140162, MedGen C0027672, MeSH D009386, MONDO:0015356.

Submission:

Ambry Genetics
Classification: Uncertain significance for Hereditary cancer-predisposing syndrome. Last evaluated: 2023-06-23. Review status: criteria provided, single submitter. Criteria: Ambry Variant Classification Scheme 2023. Collection method: clinical testing. Allele origin: germline.
Comment: The p.C1502S variant (also known as c.4504T>A), located in coding exon 15 of the APC gene, results from a T to A substitution at nucleotide position 4504. The cysteine at codon 1502 is replaced by serine, an amino acid with dissimilar properties. This amino acid position is conserved. In addition, in silico predictors for this gene do not accurately predict pathogenicity. Since supporting evidence is limited at this time, the clinical significance of this alteration remains unclear.

NM_000038.6(APC):c.4504T>A (p.Cys1502Ser)

Gene: APC (APC regulator of Wnt signaling pathway; plus strand). Cytogenetic location: 5q22.2.
Variant type: single nucleotide variant.
Coding change: c.4504T>A on transcript NM_000038.6 (MANE Select); coding-DNA position 4504, T replaced by A.
Protein change: p.Cys1502Ser; replaces cysteine 1502 with serine.
Molecular consequence: missense variant. On other transcripts: non-coding transcript variant (2).
Genome position (GRCh38, 1-based): chr5:112,840,098, T>A. VCF-style: chr5-112840098-T-A. GRCh37 (hg19) VCF-style: chr5-112175795-T-A.
Other names: c.4504T>A, p.Cys1502Ser (NM_001127510.3, NM_001354895.2, NM_001407450.1); c.4450T>A, p.Cys1484Ser (NM_001127511.3); c.4558T>A, p.Cys1520Ser (NM_001354896.2, NM_001407447.1, NM_001407448.1 and 1 more transcripts); c.4534T>A, p.Cys1512Ser (NM_001354897.2); c.4429T>A, p.Cys1477Ser (NM_001354898.2); c.4420T>A, p.Cys1474Ser (NM_001354899.2); c.4381T>A, p.Cys1461Ser (NM_001354900.2); c.4327T>A, p.Cys1443Ser (NM_001354901.2, NM_001407453.1); and 11 more; short protein forms C1376S, C1401S, C1443S, C1461S, C1474S, C1477S, C1512S, C1342S.
Identifiers: ClinVar variation 2586981 (VCV002586981.2), dbSNP rs2149916275, ClinGen allele CA16031186.